The following is an entry in ClinVar:

ClinVar aggregate classification (germline): Uncertain significance (1 of 4 stars; one submission).

Conditions:
Congenital sideroblastic anemia-B-cell immunodeficiency-periodic fever-developmental delay syndrome. Also called: Sideroblastic anemia with B-cell immunodeficiency, periodic fevers, and developmental delay. Identifiers: Orphanet 369861, MedGen C4015172, MONDO:0014487, OMIM 616084.

Submission:

Labcorp Genetics (formerly Invitae), Labcorp
Classification: Uncertain significance for Congenital sideroblastic anemia-B-cell immunodeficiency-periodic fever-developmental delay syndrome. Last evaluated: 2024-04-17. Review status: criteria provided, single submitter. Criteria: Invitae Variant Classification Sherloc (09022015). Collection method: clinical testing. Allele origin: germline.
Comment: This sequence change replaces aspartic acid, which is acidic and polar, with glycine, which is neutral and non-polar, at codon 260 of the TRNT1 protein (p.Asp260Gly). This variant is not present in population databases (gnomAD no frequency). This variant has not been reported in the literature in individuals affected with TRNT1-related conditions. ClinVar contains an entry for this variant (Variation ID: 1037472). Advanced modeling of protein sequence and biophysical properties (such as structural, functional, and spatial information, amino acid conservation, physicochemical variation, residue mobility, and thermodynamic stability) performed at Invitae indicates that this missense variant is not expected to disrupt TRNT1 protein function with a negative predictive value of 80%. In summary, the available evidence is currently insufficient to determine the role of this variant in disease. Therefore, it has been classified as a Variant of Uncertain Significance.

NM_182916.3(TRNT1):c.779A>G (p.Asp260Gly)

Gene: TRNT1 (tRNA nucleotidyl transferase 1; plus strand). Cytogenetic location: 3p26.2.
Variant type: single nucleotide variant.
Coding change: c.779A>G on transcript NM_182916.3 (MANE Select); coding-DNA position 779, A replaced by G.
Protein change: p.Asp260Gly; replaces aspartic acid 260 with glycine.
Molecular consequence: missense variant. On other transcripts: non-coding transcript variant (6), intron variant (1).
Genome position (GRCh38, 1-based): chr3:3,146,600, A>G. VCF-style: chr3-3146600-A-G. GRCh37 (hg19) VCF-style: chr3-3188284-A-G.
Other names: c.779A>G, p.Asp260Gly (NM_001367321.1, NM_001367322.1, NM_001367323.1); c.742+37A>G (NM_001302946.2); short protein forms D260G.
Identifiers: ClinVar variation 1037472 (VCV001037472.4), dbSNP rs1706037095, ClinGen allele CA351447281.
Genomic context (GRCh38, chr3:3,146,600, plus strand): 5'-TGGAACTGAAAAAAATTCTTGTTGGTAACCATGTAAATCATTTGATTCACCTTATCTATG[A>G]TCTTGATGTGGCTCCTTATATAGGTGAGAGCAAGTTATAAAGTGTTTGAATTTTTGGCAG-3'
Protein context (NP_886552.3, residues 250-270): HVNHLIHLIY[Asp260Gly]LDVAPYIGLP